The following is an entry in ClinVar:

NC_012920.1(MT-ND5):m.13379A>C

Gene: MT-ND5 (mitochondrially encoded NADH dehydrogenase 5; plus strand).
Variant type: single nucleotide variant.
Genome position: chrM-13379-A-C.
Identifiers: ClinVar variation 986501 (VCV000986501.1), dbSNP rs2124597679, ClinGen allele CA414817724.
Genomic context (GRCh38, chrMT:13,379, plus strand): 5'-ACATCTGTACCCACGCCTTCTTCAAAGCCATACTATTTATGTGCTCCGGGTCCATCATCC[A>C]CAACCTTAACAATGAACAAGATATTCGAAAAATAGGAGGACTACTCAAAACCATACCTCT-3'

ClinVar aggregate classification (germline): Uncertain significance (3 of 4 stars; one submission).

Conditions:
Mitochondrial disease. Also called: Mitochondrial disorder; Mitochondrial disorders. Identifiers: Orphanet 68380, MedGen C0751651, MeSH D028361, MONDO:0044970.

Submission:

ClinGen Mitochondrial Disease Nuclear and Mitochondrial  Variant Curation Expert Panel, ClinGen
Classification: Uncertain significance for Mitochondrial disease. Last evaluated: 2022-06-30. Review status: reviewed by expert panel. Criteria: clingen mito disease acmg specifications v1-1. Collection method: curation. Allele origin: germline. Inheritance: Mitochondrial inheritance.
Comment: The variant was present at homoplasmy in blood and haplogroup was M1. Although it is reported in this paper that this proband had a family history of poor vision, no details are provided. This variant is absent in the GenBank dataset, Helix dataset, and gnomAD v3.1.2 (PM2_supporting). The computational predictor APOGEE gives a consensus rating of pathogenic with a score of 0.80 (Min=0, Max=1), which predicts a damaging effect on gene function (PP3). There are no functional studies reported on this variant. In summary, this variant meets criteria to be classified as uncertain significance for primary mitochondrial disease inherited in a mitochondrial manner. This classification was approved by the NICHD/NINDS U24 Mitochondrial Disease Variant Curation Expert Panel on May 3, 2022. Mitochondrial DNA-specific ACMG/AMP criteria applied (PMID: 32906214): PM2_supporting, PP3.